The following is an entry in ClinVar:

ClinVar aggregate classification (germline): Likely pathogenic (1 of 4 stars; one submission).

Submission:

Department of Medical Genetics, Ordu University Medical School Training and Research Hospital
Classification: Likely pathogenic. Last evaluated: 2026-07-30. Review status: criteria provided, single submitter. Criteria: ACMG/ClinGen CNV Guidelines, 2019. Collection method: clinical testing. Allele origin: de novo. Affected: yes. Observed: 1 variant allele.
Comment: The deleted interval contains YWHAE and CRK but does not extend to PAFAH1B1 (GRCh38 chr17:2,593,183-2,685,615), so it corresponds to the distal 17p13.3 region rather than the classic Miller-Dieker interval; ClinGen assigns YWHAE a haploinsufficiency score of 1 and no gene or region with an established haploinsufficiency score of 3 is contained in the interval. Classified as likely pathogenic on the basis of segment size, subtelomeric location, gene content and de novo occurrence in an affected fetus, using the ACMG/ClinGen technical standard for copy-number variant interpretation.

GRCh38/hg38 17p13.3(chr17:150733-2188906)x1

Genes: GLOD4 (glyoxalase domain containing 4; minus strand), HIC1 (HIC ZBTB transcriptional repressor 1; plus strand), SERPINF2 (serpin family F member 2; plus strand), SLC43A2 (solute carrier family 43 member 2; minus strand), SMG6 (SMG6 nonsense mediated mRNA decay factor; minus strand) and 151 more. Cytogenetic location: 17p13.3.
Variant type: copy number loss.
Change: copy number 1 (one copy instead of two) of chr17:150,733-2,188,906 (2.04 Mb, GRCh38 coordinates, 1-based), cytogenetic band 17p13.3.
Identifiers: ClinVar variation 4880508 (VCV004880508.1).